The following is an entry in ClinVar:

ClinVar aggregate classification (germline): Uncertain significance (1 of 4 stars; one submission).

Submission:

Illumina Laboratory Services, Illumina
Classification: Uncertain significance. Last evaluated: 2023-06-22. Review status: criteria provided, single submitter. Criteria: ICSL CNVClassificationCriteria Aug2020. Collection method: clinical testing. Allele origin: unknown.
Comment: This CNV is a 259 kb duplication of 2q33.1 on chromosome 2, seq[GRCh37]dup(2)(q23.1), NC_000002.11:g.200227328_200486417dup. This CNV encompasses part of one protein coding gene, SATB2, and duplicates the first 7 exons of this gene. One breakpoint lies in intron 7 of SATB2 and another lies in intron 1 of the LINC01877 gene which is a non protein-coding gene. Smaller duplications of SATB2 that duplicate either some internal exons or the first several exons of this gene, and which overlap this duplication, have been reported in the peer-reviewed literature in individuals with neurodevelopmental phenotypes (PMID: 25118029; 19344873). This CNV has not been reported in controls. Based on the available evidence, this CNV is classified as a variant of uncertain significance.

Single allele

Gene: SATB2 (SATB homeobox 2; minus strand). Cytogenetic location: 2q33.1.
Variant type: Duplication.
Identifiers: ClinVar variation 2671617 (VCV002671617.1).